The following is an entry in ClinVar:

NM_002617.4(PEX10):c.335_338del (p.Pro112fs)

Gene: PEX10 (peroxisomal biogenesis factor 10; minus strand). Cytogenetic location: 1p36.32.
Variant type: Deletion.
Coding change: c.335_338del on transcript NM_002617.4 (MANE Select); coding-DNA positions 335 to 338, 4 bases deleted (CCCT; older notation c.335_338delCCCT).
Protein change: p.Pro112fs; shifts the reading frame from proline 112.
Molecular consequence: frameshift variant. On other transcripts: 5 prime UTR variant (2), non-coding transcript variant (1).
Genome position (GRCh38, 1-based): chr1:2,408,714-2,408,717, AGGG deleted on the plus strand (CCCT on the coding strand, the reverse complement: PEX10 is on the minus strand). VCF-style (leftmost placement, unchanged base first): chr1-2408713-CAGGG-C. GRCh37 (hg19) VCF-style: chr1-2340152-CAGGG-C.
Other names: c.335_338del, p.Pro112fs (NM_001374425.1, NM_153818.2); c.-98_-95del (NM_001374426.1, NM_001374427.1); short protein forms P112fs.
Identifiers: ClinVar variation 1698651 (VCV001698651.1), dbSNP rs2100429450, ClinGen allele CA2580062501.

ClinVar aggregate classification (germline): Likely pathogenic (1 of 4 stars; one submission).

Conditions:
Peroxisome biogenesis disorder. Identifiers: Orphanet 79189, MedGen C1832200, MONDO:0019234. Disease mechanism: loss of function.

Submission:

Women's Health and Genetics/Laboratory Corporation of America, LabCorp
Classification: Likely pathogenic for Peroxisome biogenesis disorder. Last evaluated: 2022-06-28. Review status: criteria provided, single submitter. Criteria: LabCorp Variant Classification Summary - May 2015. Collection method: clinical testing. Allele origin: germline.
Comment: Variant summary: PEX10 c.335_338delCCCT (p.Pro112ArgfsX40) results in a premature termination codon, predicted to cause a truncation of the encoded protein or absence of the protein due to nonsense mediated decay, which are commonly known mechanisms for disease. Truncations downstream of this position have been classified as pathogenic by our laboratory. The variant was absent in 248336 control chromosomes (gnomAD). To our knowledge, no occurrence of c.335_338delCCCT in individuals affected with Zellweger Syndrome and no experimental evidence demonstrating its impact on protein function have been reported. No clinical diagnostic laboratories have submitted clinical-significance assessments for this variant to ClinVar after 2014. Based on the evidence outlined above, the variant was classified as likely pathogenic.